The following is an entry in ClinVar:

ClinVar aggregate classification (germline): Uncertain significance. Review status: criteria provided, multiple submitters, no conflicts (2 of 4 stars). 3 submissions from 3 submitters: Uncertain significance (3). Last evaluated 2025-06-25.

Conditions:
Axenfeld-Rieger syndrome type 3 (RIEG3). Also called: AXENFELD-RIEGER ANOMALY WITH CARDIAC DEFECTS AND/OR SENSORINEURAL HEARING LOSS. Identifiers: Orphanet 782, MedGen C2678503, MONDO:0011233, OMIM 602482.
Inborn genetic diseases. Identifiers: MedGen C0950123, MeSH D030342.
FOXC1-related disorder. Also called: FOXC1-related condition.

Allele frequency attached by ClinVar (database versions not stated): ExAC 0.00005; 1000 Genomes Project 30x 0.00031.

Submissions (3):

PreventionGenetics, part of Exact Sciences
Classification: Uncertain significance for FOXC1-related condition. Last evaluated: 2025-06-25. Review status: criteria provided, single submitter. Criteria: ACMG Guidelines, 2015. Collection method: clinical testing. Allele origin: germline.
Comment: The FOXC1 c.1483G>A variant is predicted to result in the amino acid substitution p.Ala495Thr. To our knowledge, this variant has not been reported in the literature. This variant is reported in 0.0029% of alleles in individuals of European (Non-Finnish) descent in gnomAD. At this time, the clinical significance of this variant is uncertain due to the absence of conclusive functional and genetic evidence.

Ambry Genetics
Classification: Uncertain significance for Inborn genetic diseases. Last evaluated: 2025-01-10. Review status: criteria provided, single submitter. Criteria: Ambry Variant Classification Scheme 2023. Collection method: clinical testing. Allele origin: germline.

Labcorp Genetics (formerly Invitae), Labcorp
Classification: Uncertain significance for Axenfeld-Rieger syndrome type 3. Last evaluated: 2023-09-23. Review status: criteria provided, single submitter. Criteria: Invitae Variant Classification Sherloc (09022015). Collection method: clinical testing. Allele origin: germline.
Comment: This sequence change replaces alanine, which is neutral and non-polar, with threonine, which is neutral and polar, at codon 495 of the FOXC1 protein (p.Ala495Thr). This variant is present in population databases (rs772158545, gnomAD 0.003%). In summary, the available evidence is currently insufficient to determine the role of this variant in disease. Therefore, it has been classified as a Variant of Uncertain Significance. An algorithm developed to predict the effect of missense changes on protein structure and function (PolyPhen-2) suggests that this variant is likely to be disruptive. This variant has not been reported in the literature in individuals affected with FOXC1-related conditions.

NM_001453.3(FOXC1):c.1483G>A (p.Ala495Thr)

Gene: FOXC1 (forkhead box C1; plus strand). Cytogenetic location: 6p25.3.
Variant type: single nucleotide variant.
Coding change: c.1483G>A on transcript NM_001453.3 (MANE Select); coding-DNA position 1483, G replaced by A.
Protein change: p.Ala495Thr; replaces alanine 495 with threonine.
Molecular consequence: missense variant.
Genome position (GRCh38, 1-based): chr6:1,611,928, G>A. VCF-style: chr6-1611928-G-A. GRCh37 (hg19) VCF-style: chr6-1612163-G-A.
Other names: c.1483G>A (NM_001453.2); short protein forms A495T.
Identifiers: ClinVar variation 2761437 (VCV002761437.5), dbSNP rs772158545, ClinGen allele CA3614905.